The following is an entry in ClinVar:

NM_000492.4(CFTR):c.1181T>C (p.Met394Thr)

Gene: CFTR (CF transmembrane conductance regulator; plus strand). Cytogenetic location: 7q31.2.
Variant type: single nucleotide variant.
Coding change: c.1181T>C on transcript NM_000492.4 (MANE Select); coding-DNA position 1181, T replaced by C.
Protein change: p.Met394Thr; replaces methionine 394 with threonine.
Molecular consequence: missense variant.
Genome position (GRCh38, 1-based): chr7:117,542,080, T>C. VCF-style: chr7-117542080-T-C. GRCh37 (hg19) VCF-style: chr7-117182134-T-C.
Other names: short protein forms M394T.
Identifiers: ClinVar variation 3231820 (VCV003231820.1), dbSNP rs397508172, ClinGen allele CA368980161.
Genomic context (GRCh38, chr7:117,542,080, plus strand): 5'-TCTTACAAAAGCAAGAATATAAGACATTGGAATATAACTTAACGACTACAGAAGTAGTGA[T>C]GGAGAATGTAACAGCCTTCTGGGAGGAGGTCAGAATTTTTAAAAAATTGTTTGCTCTAAA-3'
Protein context (NP_000483.3, residues 384-404): EYNLTTTEVV[Met394Thr]ENVTAFWEEG

ClinVar aggregate classification (germline): Uncertain significance (1 of 4 stars; one submission).

Conditions:
Cystic fibrosis (CF). Also called: MUCOVISCIDOSIS. Identifiers: Orphanet 586, MedGen C0010674, MONDO:0009061, OMIM 219700. Disease mechanism: loss of function.

Allele frequency attached by ClinVar (database versions not stated): gnomAD exomes below 0.00001.
gnomAD v4.1: 5 of 1,599,504 alleles (0.00031%); highest among the groups gnomAD compares: South Asian, 0.0033%; no homozygotes.

Submission:

Ambry Genetics
Classification: Uncertain significance for Cystic fibrosis. Last evaluated: 2024-01-13. Review status: criteria provided, single submitter. Criteria: Ambry Variant Classification Scheme 2023. Collection method: clinical testing. Allele origin: germline.
Comment: The p.M394T variant (also known as c.1181T>C), located in coding exon 9 of the CFTR gene, results from a T to C substitution at nucleotide position 1181. The methionine at codon 394 is replaced by threonine, an amino acid with similar properties. This amino acid position is conserved. In addition, this alteration is predicted to be deleterious by in silico analysis. Since supporting evidence is limited at this time, the clinical significance of this alteration remains unclear.